The following is an entry in ClinVar:

NM_014425.5(INVS):c.1797A>G (p.Glu599=)

Gene: INVS (inversin; plus strand). Cytogenetic location: 9q31.1.
Variant type: single nucleotide variant.
Coding change: c.1797A>G on transcript NM_014425.5 (MANE Select); coding-DNA position 1797, A replaced by G.
Protein change: p.Glu599=; no amino-acid change (glutamic acid 599 retained).
Molecular consequence: synonymous variant. On other transcripts: non-coding transcript variant (1).
Genome position (GRCh38, 1-based): chr9:100,284,332, A>G. VCF-style: chr9-100284332-A-G. GRCh37 (hg19) VCF-style: chr9-103046614-A-G.
Other names: c.1797A>G (NM_014425.4); c.1509A>G, p.Glu503= (NM_001318381.2); c.819A>G, p.Glu273= (NM_001318382.2).
Identifiers: ClinVar variation 1114094 (VCV001114094.10), dbSNP rs1192378189, ClinGen allele CA466440657.

ClinVar aggregate classification (germline): Likely benign. Review status: criteria provided, multiple submitters, no conflicts (2 of 4 stars). 2 submissions from 2 submitters: Likely benign (2). Last evaluated 2025-11-26.

Conditions:
Nephronophthisis. Also called: Juvenile Nephronophthisis. Identifiers: Orphanet 655, MedGen C0687120, MONDO:0019005, HP:0000090.
INVS-related disorder. Also called: INVS-related condition.

Allele frequency attached by ClinVar (database versions not stated): gnomAD 0.00001; gnomAD exomes 0.00001 and 0.00005; TOPMed 0.00002.
gnomAD v4.1: 66 of 1,613,196 alleles (0.0041%); highest among the groups gnomAD compares: Non-Finnish European, 0.0055%; no homozygotes.

Submissions (2):

PreventionGenetics, part of Exact Sciences
Classification: Likely benign for INVS-related condition. Last evaluated: 2025-11-26. Review status: criteria provided, single submitter. Criteria: ACMG Guidelines, 2015. Collection method: clinical testing. Allele origin: germline.
Comment: This variant is classified as likely benign based on ACMG/AMP sequence variant interpretation guidelines (Richards et al. 2015 PMID: 25741868, with internal and published modifications).

Labcorp Genetics (formerly Invitae), Labcorp
Classification: Likely benign for Nephronophthisis. Last evaluated: 2021-10-10. Review status: criteria provided, single submitter. Criteria: Invitae Variant Classification Sherloc (09022015). Collection method: clinical testing. Allele origin: germline.